The following is an entry in ClinVar:

NM_000350.3(ABCA4):c.859-506G>C

Gene: ABCA4 (ATP binding cassette subfamily A member 4; minus strand). Cytogenetic location: 1p22.1.
Variant type: single nucleotide variant.
Coding change: c.859-506G>C on transcript NM_000350.3 (MANE Select); 506 bases into the intron before coding-DNA position 859, G replaced by C.
Molecular consequence: intron variant.
Genome position (GRCh38, 1-based): chr1:94,081,224, C>G on the plus strand (G>C on the coding strand, the complement: ABCA4 is on the minus strand). VCF-style: chr1-94081224-C-G. GRCh37 (hg19) VCF-style: chr1-94546780-C-G.
Identifiers: ClinVar variation 1451405 (VCV001451405.8), dbSNP rs1661692833, ClinGen allele CA1181435554.

ClinVar aggregate classification (germline): Pathogenic (1 of 4 stars; one submission).

Allele frequency attached by ClinVar (database versions not stated): TOPMed below 0.00001.

Submission:

Labcorp Genetics (formerly Invitae), Labcorp
Classification: Pathogenic. Last evaluated: 2022-06-20. Review status: criteria provided, single submitter. Criteria: Invitae Variant Classification Sherloc (09022015). Collection method: clinical testing. Allele origin: germline.
Comment: This variant is not present in population databases (gnomAD no frequency). This variant has been observed in individual(s) with Stargardt disease (PMID: 30643219). In at least one individual the data is consistent with being in trans (on the opposite chromosome) from a pathogenic variant. Studies have shown that this variant results in a 56 nucleotide pseudoexon inclusion and introduces a premature termination codon (PMID: 30643219). The resulting mRNA is expected to undergo nonsense-mediated decay. For these reasons, this variant has been classified as Pathogenic. This sequence change falls in intron 7 of the ABCA4 gene. It does not directly change the encoded amino acid sequence of the ABCA4 protein. RNA analysis indicates that this variant induces altered splicing and may result in an absent or disrupted protein product.

Literature cited by the submitters: PubMed 30643219.